The following is an entry in ClinVar:

ClinVar aggregate classification (germline): Uncertain significance. Review status: criteria provided, single submitter (1 of 4 stars). 2 submissions from 2 submitters: Uncertain significance (1). 1 of the submissions does not count toward it. Last evaluated 2022-03-19.

Conditions:
MHC class II deficiency. Also called: Bare lymphocyte syndrome 2; BLS, TYPE II. Identifiers: Orphanet 572, MedGen C5447452, MONDO:0008855.

Allele frequency attached by ClinVar (database versions not stated): gnomAD 0.00001; TOPMed 0.00001.
gnomAD v4.1: 30 of 1,587,194 alleles (0.0019%); highest among the groups gnomAD compares: South Asian, 0.0023%; no homozygotes.

Submissions (2):

Labcorp Genetics (formerly Invitae), Labcorp
Classification: Uncertain significance for MHC class II deficiency. Last evaluated: 2022-03-19. Review status: criteria provided, single submitter. Criteria: Invitae Variant Classification Sherloc (09022015). Collection method: clinical testing. Allele origin: germline.
Comment: This sequence change replaces arginine, which is basic and polar, with glycine, which is neutral and non-polar, at codon 832 of the CIITA protein (p.Arg832Gly). This variant is present in population databases (rs778521786, gnomAD 0.03%). This variant has not been reported in the literature in individuals affected with CIITA-related conditions. ClinVar contains an entry for this variant (Variation ID: 651531). Algorithms developed to predict the effect of missense changes on protein structure and function (SIFT, PolyPhen-2, Align-GVGD) all suggest that this variant is likely to be tolerated. In summary, the available evidence is currently insufficient to determine the role of this variant in disease. Therefore, it has been classified as a Variant of Uncertain Significance.

Natera, Inc.
Classification: Uncertain significance for Bare lymphocyte syndrome type II. Last evaluated: 2021-05-21. Review status: no assertion criteria provided. Collection method: clinical testing. Allele origin: germline. Not counted in ClinVar's aggregate classification.

NM_000246.4(CIITA):c.2494C>G (p.Arg832Gly)

Gene: CIITA (class II major histocompatibility complex transactivator; plus strand). Cytogenetic location: 16p13.13.
Variant type: single nucleotide variant.
Coding change: c.2494C>G on transcript NM_000246.4 (MANE Select); coding-DNA position 2494, C replaced by G.
Protein change: p.Arg832Gly; replaces arginine 832 with glycine.
Molecular consequence: missense variant. On other transcripts: intron variant (1).
Genome position (GRCh38, 1-based): chr16:10,907,986, C>G. VCF-style: chr16-10907986-C-G. GRCh37 (hg19) VCF-style: chr16-11001843-C-G.
Other names: c.2497C>G, p.Arg833Gly (NM_001286402.1, NM_001379332.1); c.2350C>G, p.Arg784Gly (NM_001379330.1); c.2347C>G, p.Arg783Gly (NM_001379331.1); c.2494C>G, p.Arg832Gly (NM_001379333.1); c.2425C>G, p.Arg809Gly (NM_001379334.1); c.860-997C>G (NM_001286403.2); short protein forms R832G, R833G, R783G, R784G, R809G.
Identifiers: ClinVar variation 651531 (VCV000651531.10), dbSNP rs778521786, ClinGen allele CA7900389.